The following is an entry in ClinVar:

ClinVar aggregate classification (germline): Uncertain significance. Review status: reviewed by expert panel (3 of 4 stars). 16 submissions from 15 submitters: Uncertain significance (1). 15 of the submissions do not count toward it. Last evaluated 2024-01-17.

Conditions:
SLC26A4-related disorder. Also called: SLC26A4-related condition; SLC26A4-related disorders.
Pendred syndrome (PDS). Also called: DEAFNESS WITH GOITER; THYROID DYSHORMONOGENESIS 2B; THYROID HORMONOGENESIS, GENETIC DEFECT IN, 2B; GOITER-DEAFNESS SYNDROME; Pendred Syndrome (PDS); Pendred's syndrome. Identifiers: Orphanet 705, MedGen C0271829, MONDO:0010134, OMIM 274600.
Autosomal recessive nonsyndromic hearing loss 4 (DFNB4). Also called: Nonsyndromic enlarged vestibular aqueduct (NSEVA); Deafness, autosomal recessive 4, with enlarged vestibular aqueduct; NEUROSENSORY NONSYNDROMIC RECESSIVE DEAFNESS 4; DEAFNESS, AUTOSOMAL RECESSIVE 4, WITH ENLARGED VESTIBULAR AQUEDUCT, DIGENIC; Deafness, autosomal recessive 4; Enlarged vestibular aqueduct, digenic. Identifiers: Orphanet 90636, MedGen C3538946, MONDO:0010933, OMIM 600791.
Hearing impairment. Also called: Impaired Hearing. Identifiers: MedGen C1384666, MONDO:0005365, HP:0000365.

Allele frequency attached by ClinVar (database versions not stated): 1000 Genomes Project 30x 0.00062; TOPMed 0.00177; gnomAD 0.00199 and 0.00209.

Submissions 1 to 10 of 16:

ClinGen Hearing Loss Variant Curation Expert Panel
Classification: Uncertain significance for Pendred syndrome. Last evaluated: 2024-01-17. Review status: reviewed by expert panel. Criteria: Clingen Hl Acmg Specifications Cdh23 Coch Gjb2 Kcnq4 Myo6 Myo7a Slc26a4 Tecta Ush2a V2. Collection method: curation. Allele origin: germline. Inheritance: Autosomal recessive inheritance.
Comment: The c.-103T>C (NM_000441.2) variant is a substitution in the 5’ UTR of SLC26A4. Because the variant is located in the 5’ UTR, it is not expected to alter the amino acid sequence. The highest population minor allele frequency in gnomAD v4.0.0 is 0.3% (262/68066 alleles) in the European (non-Finnish) population, which is a high enough frequency to be classified as likely benign based on the thresholds defined by the ClinGen Hearing Loss Expert Panel (HL EP) for autosomal recessive hearing loss variants (BS1). This variant has been detected in 2 individuals with hearing loss and additional features of Pendred syndrome (enlarged vestibular aqueducts (EVA) and Mondini dysplasia) who were compound heterozygous for the variant and a pathogenic variant with phase confirmed in trans in one individual (PMID: 19204907, 25991456). It has also been identified in two additional compound heterozygous individuals with hearing loss, one with a likely pathogenic and one with a variant of uncertain significance, though phase was not confirmed in either individual (SCV000491274.5). However, due to the allele frequency meeting BS1 criteria, PP4 and PM3 were not applied. There have been many reported heterozygous observations in individuals with EVA/Pendred syndrome (PMID:17503324, 23208854, 23965030, 25991456). Functional studies imply that the variant occurs in a binding site that is a major transcriptional regulatory element of SLC26A4 and is necessary for FOXI1-induced transcriptional activation of SLC26A4 (PMID:25910213, 17503324; PS3_Supporting). Due to conflicting evidence, this variant is classified as a variant of uncertain significance for autosomal recessive Pendred syndrome based on the ACMG/AMP criteria applied, as specified by the ClinGen Hearing Loss VCEP: BS1, PS3_P (ClinGen Hearing Loss VCEP specifications version 2; 01/17/2024).

PreventionGenetics, part of Exact Sciences
Classification: Uncertain significance for SLC26A4-related condition. Last evaluated: 2026-09-21. Review status: criteria provided, single submitter. Criteria: ACMG Guidelines, 2015. Collection method: clinical testing. Allele origin: germline. Not counted in ClinVar's aggregate classification.
Comment: The SLC26A4 c.-103T>C variant is located in the 5' untranslated region. This variant has been reported in patients with nonsyndromic hearing loss with or without enlarged vestibular aqueduct (EVA) or Pendred syndrome (PS). However, a second pathogenic SLC26A4 variant was not detected in many of the reported cases (Yang et al. 2007. PubMed ID: 17503324; Choi et al. 2009. PubMed ID: 19204907; Schrauwen et al. 2013. PubMed ID: 23208854; Tang et al. 2015. PubMed ID: 25991456). Functional studies showed that this variant completely abolishes FOXI1-mediated transcriptional activation of SLC26A4 (Yang et al. 2007. PubMed ID: 17503324). However, other functional experiments did not detect an effect of the exon 1 region containing the c.-103T>C variant on SLC26A4 gene expression (Adler et al. 2008. PubMed ID: 18322141). This variant is reported in 0.34% of alleles in individuals of Ashkenazi Jewish descent in gnomAD, including four homozygotes in gnomAD v4 (available only on GRCh38). This variant is classified as a variant of uncertain significance for autosomal recessive Pendred syndrome by ClinGen hearing loss expert panel (ClinVar, Variation ID: 4838). At this time, the clinical significance of this variant is uncertain due to the absence of conclusive functional and genetic evidence.

GeneDx
Classification: Uncertain significance. Last evaluated: 2026-03-05. Review status: criteria provided, single submitter. Criteria: GeneDx Variant Classification Process June 2021. Collection method: clinical testing. Allele origin: germline. Affected: yes. Not counted in ClinVar's aggregate classification.
Comment: Located in a regulatory region; in the absence of functional studies, the actual effect of this sequence change is unknown; This variant is associated with the following publications: (PMID: 25910213, 19787632, 24860705, 22285650, 23208854, 18322141, 23555729, 21045265, 30068397, 29196752, 31633822, 28780564, 25960948, 34426522, 25991456, 23965030, 17503324, 19204907)

CeGaT Center for Human Genetics Tuebingen
Classification: Benign. Last evaluated: 2026-03-01. Review status: criteria provided, single submitter. Criteria: CeGaT Center For Human Genetics Tuebingen Variant Classification Criteria Version 2. Collection method: clinical testing. Allele origin: germline. Affected: yes. Observed: 4 variant alleles. Not counted in ClinVar's aggregate classification.
Comment: SLC26A4: BS1, BS2

Women's Health and Genetics/Laboratory Corporation of America, LabCorp
Classification: Benign. Last evaluated: 2025-09-04. Review status: criteria provided, single submitter. Criteria: LabCorp Variant Classification Summary - May 2015. Collection method: clinical testing. Allele origin: germline. Not counted in ClinVar's aggregate classification.
Comment: Variant summary: SLC26A4 c.-103T>C is located in the untranscribed region upstream of the SLC26A4 gene region. The variant allele was found at a frequency of 0.002 in 152382 control chromosomes, predominantly at a frequency of 0.0038 within the Non-Finnish European subpopulation in the gnomAD database, including 3 homozygotes. The observed variant frequency within Non-Finnish European control individuals in the gnomAD database exceeds the estimated maximal expected allele frequency for disease-causing variants in SLC26A4. At least one publication reports experimental evidence evaluating an impact on gene expression, however, does not allow convincing conclusions about the variant effect. The following publication have been ascertained in the context of this evaluation (PMID: 25910213). ClinVar contains an entry for this variant (Variation ID: 4838). Based on the evidence outlined above, the variant was classified as benign.

Mayo Clinic Laboratories, Mayo Clinic
Classification: Uncertain significance. Last evaluated: 2025-08-20. Review status: criteria provided, single submitter. Criteria: ACMG Guidelines, 2015. Collection method: clinical testing. Allele origin: germline. Observed: 1 variant allele. Not counted in ClinVar's aggregate classification.
Comment: BS1, PP4, PM3, PS3_supporting

Labcorp Genetics (formerly Invitae), Labcorp
Classification: Benign. Last evaluated: 2025-06-03. Review status: criteria provided, single submitter. Criteria: Invitae Variant Classification Sherloc (09022015). Collection method: clinical testing. Allele origin: germline. Not counted in ClinVar's aggregate classification.

Blueprint Genetics
Classification: Uncertain significance. Last evaluated: 2024-11-21. Review status: criteria provided, single submitter. Criteria: ACMG Guidelines, 2015. Collection method: clinical testing. Allele origin: germline. Not counted in ClinVar's aggregate classification.

Myriad Genetics, Inc.
Classification: Uncertain significance for Pendred syndrome. Last evaluated: 2021-10-01. Review status: criteria provided, single submitter. Criteria: Myriad Women's Health Autosomal Recessive and X-Linked Classification Criteria (2021). Collection method: clinical testing. Allele origin: unknown. Not counted in ClinVar's aggregate classification.
Comment: NM_000441.1(SLC26A4):c.-103T>C is a 5' non-coding variant classified as a variant of uncertain significance in the context of Pendred syndrome. c.-103T>C has been observed in cases with relevant disease (PMID: 17503324, 19204907, 23208854, 23555729, 23965030, 25991456, 31633822, 30068397). Functional assessments of this variant are available in the literature (PMID: 17503324). c.-103T>C has been observed in population frequency databases (gnomAD: NFE 0.34%). In summary, there is insufficient evidence to classify NM_000441.1(SLC26A4):c.-103T>C as pathogenic or benign. Please note: this variant was assessed in the context of healthy population screening.

Department of Otolaryngology – Head & Neck Surgery, Cochlear Implant Center
Classification: Pathogenic for Hearing impairment. Last evaluated: 2021-04-12. Review status: criteria provided, single submitter. Criteria: ClinGen HL ACMG Specifications v1. Collection method: clinical testing. Allele origin: germline. Affected: yes. Not counted in ClinVar's aggregate classification.
Comment: PS1_Strong, PM2_Supporting, BP4_Supporting

NM_000441.2(SLC26A4):c.-103T>C

Genes: SLC26A4 (solute carrier family 26 member 4; plus strand), SLC26A4-AS1 (SLC26A4 antisense RNA 1; minus strand). Cytogenetic location: 7q22.3.
Variant type: single nucleotide variant.
Coding change: c.-103T>C on transcript NM_000441.2 (MANE Select); 103 bases upstream of the start codon, T replaced by C.
Genome position (GRCh38, 1-based): chr7:107,660,756, T>C. VCF-style: chr7-107660756-T-C. GRCh37 (hg19) VCF-style: chr7-107301201-T-C.
Other names: -103T-C, 5-PRIME UTR.
Identifiers: ClinVar variation 4838 (VCV000004838.90), dbSNP rs60284988, ClinGen allele CA253314.
Genomic context (GRCh38, chr7:107,660,756, plus strand): 5'-AGGATCGGTTGGGAAAGACCGCAGCCTGTGTGTGTCTTTCCCTTCGACCAAGGTGTCTGT[T>C]GCTCCGTAAATAAAACGTCCCACTGCCTTCTGAGAGCGCTATAAAGGCAGCGGAAGGGTA-3'